The following is an entry in ClinVar:

NM_000179.3(MSH6):c.1240T>C (p.Trp414Arg)

Gene: MSH6 (mutS homolog 6; plus strand). Cytogenetic location: 2p16.3.
Variant type: single nucleotide variant.
Coding change: c.1240T>C on transcript NM_000179.3 (MANE Select); coding-DNA position 1240, T replaced by C.
Protein change: p.Trp414Arg; replaces tryptophan 414 with arginine.
Molecular consequence: missense variant.
Genome position (GRCh38, 1-based): chr2:47,799,223, T>C. VCF-style: chr2-47799223-T-C. GRCh37 (hg19) VCF-style: chr2-48026362-T-C.
Other names: c.943T>C, p.Trp315Arg (NM_001406822.1, NM_001406828.1, NM_001406830.1 and 10 more transcripts); c.334T>C, p.Trp112Arg (NM_001406823.1, NM_001406829.1, NM_001281493.2 and 6 more transcripts); c.1072T>C, p.Trp358Arg (NM_001406826.1); c.850T>C, p.Trp284Arg (NM_001281492.2); c.1336T>C, p.Trp446Arg (NM_001406795.1, NM_001406802.1); c.1240T>C, p.Trp414Arg (NM_001406796.1, NM_001406798.1, NM_001406800.1 and 4 more transcripts); c.715T>C, p.Trp239Arg (NM_001406799.1, NM_001406806.1, NM_001406807.1); c.1162T>C, p.Trp388Arg (NM_001406804.1); and 1 more; short protein forms W315R, W446R, W112R, W284R, W416R, W358R, W239R, W388R.
Identifiers: ClinVar variation 1758343 (VCV001758343.2), dbSNP rs2530598647, ClinGen allele CA346743744.
Genomic context (GRCh38, chr2:47,799,223, plus strand): 5'-TCTACACTCTATGTGCCTGAGGATTTCCTCAATTCTTGTACTCCTGGGATGAGGAAGTGG[T>C]GGCAGATTAAGTCTCAGAACTTTGATCTTGTCATCTGTTACAAGGTGGGGAAATTTTATG-3'
Protein context (NP_000170.1, residues 404-424): NSCTPGMRKW[Trp414Arg]QIKSQNFDLV

ClinVar aggregate classification (germline): Uncertain significance (1 of 4 stars; one submission).

Conditions:
Hereditary cancer-predisposing syndrome. Also called: Neoplastic Syndromes, Hereditary; Tumor predisposition; Hereditary Cancer Syndrome; Hereditary neoplastic syndrome. Identifiers: Orphanet 140162, MedGen C0027672, MeSH D009386, MONDO:0015356.

Submission:

Ambry Genetics
Classification: Uncertain significance for Hereditary cancer-predisposing syndrome. Last evaluated: 2020-10-07. Review status: criteria provided, single submitter. Criteria: Ambry Variant Classification Scheme 2023. Collection method: clinical testing. Allele origin: germline.
Comment: The p.W414R variant (also known as c.1240T>C), located in coding exon 4 of the MSH6 gene, results from a T to C substitution at nucleotide position 1240. The tryptophan at codon 414 is replaced by arginine, an amino acid with dissimilar properties. This amino acid position is highly conserved in available vertebrate species. In addition, this alteration is predicted to be deleterious by in silico analysis. Since supporting evidence is limited at this time, the clinical significance of this alteration remains unclear.